The following is an entry in ClinVar:

NM_201384.3(PLEC):c.1753G>A (p.Ala585Thr)

Gene: PLEC (plectin; minus strand). Cytogenetic location: 8q24.3.
Variant type: single nucleotide variant.
Coding change: c.1753G>A on transcript NM_201384.3 (MANE Select); coding-DNA position 1753, G replaced by A.
Protein change: p.Ala585Thr; replaces alanine 585 with threonine.
Molecular consequence: missense variant.
Genome position (GRCh38, 1-based): chr8:143,932,697, C>T on the plus strand (G>A on the coding strand, the complement: PLEC is on the minus strand). VCF-style: chr8-143932697-C-T. GRCh37 (hg19) VCF-style: chr8-145006865-C-T.
Other names: c.1834G>A, p.Ala612Thr (NM_000445.5); c.1711G>A, p.Ala571Thr (NM_201378.4); c.1687G>A, p.Ala563Thr (NM_201379.3); c.2164G>A, p.Ala722Thr (NM_201380.4); c.1657G>A, p.Ala553Thr (NM_201381.3); c.1753G>A, p.Ala585Thr (NM_201382.4); c.1765G>A, p.Ala589Thr (NM_201383.3); short protein forms A553T, A563T, A571T, A585T, A589T, A612T, A722T.
Identifiers: ClinVar variation 432425 (VCV000432425.8), dbSNP rs368520468, ClinGen allele CA187621314.

ClinVar aggregate classification (germline): Conflicting classifications of pathogenicity. Review status: criteria provided, conflicting classifications (1 of 4 stars). 2 submissions from 2 submitters: Uncertain significance (1); Likely benign (1). Last evaluated 2022-07-12.

Conditions:
Epidermolysis bullosa simplex with nail dystrophy (EBS5D). Identifiers: MedGen C4225309, MONDO:0014661, OMIM 616487.
Autosomal recessive limb-girdle muscular dystrophy type 2Q (LGMDR17). Also called: MUSCULAR DYSTROPHY, LIMB-GIRDLE, AUTOSOMAL RECESSIVE 17. Identifiers: Orphanet 254361, MedGen C3150989, MONDO:0013390, OMIM 613723.
Epidermolysis bullosa simplex 5B, with muscular dystrophy (EBS5B). Also called: EPIDERMOLYSIS BULLOSA SIMPLEX AND LIMB-GIRDLE MUSCULAR DYSTROPHY; Epidermolysis bullosa simplex with muscular dystrophy. Identifiers: Orphanet 257, MedGen C2931072, MONDO:0009181, OMIM 226670.
Epidermolysis bullosa simplex, Ogna type (EBS5A). Also called: Pidermolysis bullosa simplex 5A, Ogna type; EPIDERMOLYSIS BULLOSA SIMPLEX 5A, OGNA TYPE. Identifiers: Orphanet 79401, MedGen C0432317, MONDO:0007555, OMIM 131950.
Epidermolysis bullosa simplex 5C, with pyloric atresia (EBS5C). Also called: PLEC-Related Epidermolysis Bullosa with Pyloric Atresia; PLEC1-Related Epidermolysis Bullosa with Pyloric Atresia; Epidermolysis bullosa simplex with pyloric atresia. Identifiers: Orphanet 158684, MedGen C2677349, MONDO:0012807, OMIM 612138.

Allele frequency attached by ClinVar (database versions not stated): gnomAD 0.00001; ESP Exome Variant Server 0.00008.
gnomAD v4.1: 12 of 1,606,702 alleles (0.00075%); highest among the groups gnomAD compares: Admixed American, 0.0017%; no homozygotes.

Submissions (2):

Labcorp Genetics (formerly Invitae), Labcorp
Classification: Uncertain significance for Autosomal recessive limb-girdle muscular dystrophy type 2Q; Epidermolysis bullosa simplex, Ogna type; Epidermolysis bullosa simplex with nail dystrophy; Epidermolysis bullosa simplex 5C, with pyloric atresia; Epidermolysis bullosa simplex 5B, with muscular dystrophy. Last evaluated: 2022-07-12. Review status: criteria provided, single submitter. Criteria: Invitae Variant Classification Sherloc (09022015). Collection method: clinical testing. Allele origin: germline.
Comment: This sequence change replaces alanine, which is neutral and non-polar, with threonine, which is neutral and polar, at codon 612 of the PLEC protein (p.Ala612Thr). In summary, the available evidence is currently insufficient to determine the role of this variant in disease. Therefore, it has been classified as a Variant of Uncertain Significance. Algorithms developed to predict the effect of missense changes on protein structure and function output the following: SIFT: "Tolerated"; PolyPhen-2: "Not Available"; Align-GVGD: "Class C0". The threonine amino acid residue is found in multiple mammalian species, which suggests that this missense change does not adversely affect protein function. ClinVar contains an entry for this variant (Variation ID: 432425). This variant has not been reported in the literature in individuals affected with PLEC-related conditions. This variant is present in population databases (rs368520468, gnomAD 0.002%).

GeneDx
Classification: Likely benign. Last evaluated: 2019-11-22. Review status: criteria provided, single submitter. Criteria: GeneDx Variant Classification Process June 2021. Collection method: clinical testing. Allele origin: germline. Affected: yes.
Comment: In silico analysis, which includes protein predictors and evolutionary conservation, supports that this variant does not alter protein structure/function; Has not been previously published as pathogenic or benign to our knowledge